The following is an entry in ClinVar:

NM_014233.4(UBTF):c.14C>G (p.Ala5Gly)

Genes: ATXN7L3-AS1 (ATXN7L3 antisense RNA 1; plus strand), UBTF (upstream binding transcription factor; minus strand). Cytogenetic location: 17q21.31.
Variant type: single nucleotide variant.
Coding change: c.14C>G on transcript NM_014233.4 (MANE Select); coding-DNA position 14, C replaced by G.
Protein change: p.Ala5Gly; replaces alanine 5 with glycine.
Molecular consequence: missense variant. On other transcripts: non-coding transcript variant (1).
Genome position (GRCh38, 1-based): chr17:44,218,216, G>C on the plus strand (C>G on the coding strand, the complement: UBTF is on the minus strand). VCF-style: chr17-44218216-G-C. GRCh37 (hg19) VCF-style: chr17-42295584-G-C.
Other names: c.14C>G, p.Ala5Gly (NM_001076683.2, NM_001076684.3); short protein forms A5G.
Identifiers: ClinVar variation 2446071 (VCV002446071.1), dbSNP rs2509940087, ClinGen allele CA399771098.
Genomic context (GRCh38, chr17:44,218,216, plus strand): 5'-GGGTGGATGCCCCTACCTTGGCCTTTGGGGGCGGCCATTTCCAGGTCTGTGGGGCAGTCG[G>C]CTTCTCCGTTCATCCTCCAGCTGTCCAGCCACCTCCTCGGTCGTGCTGGCCGGGCAACCC-3'
Protein context (NP_055048.1, residues 1-15): MNGE[Ala5Gly]DCPTDLEMAA

ClinVar aggregate classification (germline): Uncertain significance (1 of 4 stars; one submission).

Submission:

GeneDx
Classification: Uncertain significance. Last evaluated: 2022-09-27. Review status: criteria provided, single submitter. Criteria: GeneDx Variant Classification Process June 2021. Collection method: clinical testing. Allele origin: germline. Affected: yes.
Comment: Not observed at significant frequency in large population cohorts (gnomAD); In silico analysis supports that this missense variant does not alter protein structure/function; Has not been previously published as pathogenic or benign to our knowledge